The following is an entry in ClinVar:

NM_001792.5(CDH2):c.1724T>C (p.Phe575Ser)

Gene: CDH2 (cadherin 2; minus strand). Cytogenetic location: 18q12.1.
Variant type: single nucleotide variant.
Coding change: c.1724T>C on transcript NM_001792.5 (MANE Select); coding-DNA position 1724, T replaced by C.
Protein change: p.Phe575Ser; replaces phenylalanine 575 with serine.
Molecular consequence: missense variant.
Genome position (GRCh38, 1-based): chr18:27,988,541, A>G on the plus strand (T>C on the coding strand, the complement: CDH2 is on the minus strand). VCF-style: chr18-27988541-A-G. GRCh37 (hg19) VCF-style: chr18-25568505-A-G.
Other names: c.1631T>C, p.Phe544Ser (NM_001308176.2); short protein forms F544S, F575S.
Identifiers: ClinVar variation 1695534 (VCV001695534.2), dbSNP rs1175255093, ClinGen allele CA402107776.
Genomic context (GRCh38, chr18:27,988,541, plus strand): 5'-CTACTGTCTTTCATCAACATACAAGAAAAAACAGCGAACATACCATTGTCAGAAGCAAGG[A>G]AAGTAGCATTATATATATTGTTTTTCACATTTGGTGATTCTCGGTCCAAAACAGCAATTG-3'
Protein context (NP_001783.2, residues 565-585): NVKNNIYNAT[Phe575Ser]LASDNGIPPM

ClinVar aggregate classification (germline): Uncertain significance (1 of 4 stars; one submission).

Submission:

GeneDx
Classification: Uncertain significance. Last evaluated: 2022-01-04. Review status: criteria provided, single submitter. Criteria: GeneDx Variant Classification Process June 2021. Collection method: clinical testing. Allele origin: germline. Affected: yes.
Comment: Not observed at significant frequency in large population cohorts (gnomAD); In silico analysis supports that this missense variant has a deleterious effect on protein structure/function; Has not been previously published as pathogenic or benign to our knowledge